The following is an entry in ClinVar:

ClinVar aggregate classification (germline): Uncertain significance (1 of 4 stars; one submission).

Submission:

Labcorp Genetics (formerly Invitae), Labcorp
Classification: Uncertain significance. Last evaluated: 2023-11-27. Review status: criteria provided, single submitter. Criteria: Invitae Variant Classification Sherloc (09022015). Collection method: clinical testing. Allele origin: germline.
Comment: This sequence change replaces arginine, which is basic and polar, with glycine, which is neutral and non-polar, at codon 250 of the TNFRSF6B protein (p.Arg250Gly). This variant is not present in population databases (gnomAD no frequency). This variant has not been reported in the literature in individuals affected with TNFRSF6B-related conditions. ClinVar contains an entry for this variant (Variation ID: 1464318). An algorithm developed to predict the effect of missense changes on protein structure and function (PolyPhen-2) suggests that this variant is likely to be disruptive. In summary, the available evidence is currently insufficient to determine the role of this variant in disease. Therefore, it has been classified as a Variant of Uncertain Significance.

NM_003823.4(TNFRSF6B):c.748C>G (p.Arg250Gly)

Genes: TNFRSF6B (TNF receptor superfamily member 6b; plus strand), RTEL1-TNFRSF6B (RTEL1-TNFRSF6B readthrough (NMD candidate); plus strand). Cytogenetic location: 20q13.33.
Variant type: single nucleotide variant.
Coding change: c.748C>G on transcript NM_003823.4 (MANE Select); coding-DNA position 748, C replaced by G.
Protein change: p.Arg250Gly; replaces arginine 250 with glycine.
Molecular consequence: missense variant. On other transcripts: non-coding transcript variant (1).
Genome position (GRCh38, 1-based): chr20:63,698,408, C>G. VCF-style: chr20-63698408-C-G. GRCh37 (hg19) VCF-style: chr20-62329761-C-G.
Other names: short protein forms R250G.
Identifiers: ClinVar variation 1464318 (VCV001464318.6), dbSNP rs753653499, ClinGen allele CA409712085.